The following is an entry in ClinVar:

ClinVar aggregate classification (germline): Uncertain significance (1 of 4 stars; one submission).

Allele frequency attached by ClinVar (database versions not stated): TOPMed below 0.00001; gnomAD 0.00001.
gnomAD v4.1: 1 of 1,613,942 alleles (0.000062%); highest among the groups gnomAD compares: Non-Finnish European, 0.000085%; no homozygotes.

Submission:

Ambry Genetics
Classification: Uncertain significance. Last evaluated: 2023-08-26. Review status: criteria provided, single submitter. Criteria: Ambry Variant Classification Scheme 2023. Collection method: clinical testing. Allele origin: germline.
Comment: The p.V1017L variant (also known as c.3049G>C), located in coding exon 4 of the ALPK2 gene, results from a G to C substitution at nucleotide position 3049. The valine at codon 1017 is replaced by leucine, an amino acid with highly similar properties. This amino acid position is conserved. In addition, this alteration is predicted to be tolerated by in silico analysis. Since supporting evidence is limited at this time, the clinical significance of this alteration remains unclear.

NM_052947.4(ALPK2):c.3049G>C (p.Val1017Leu)

Gene: ALPK2 (alpha kinase 2; minus strand). Cytogenetic location: 18q21.31.
Variant type: single nucleotide variant.
Coding change: c.3049G>C on transcript NM_052947.4 (MANE Select); coding-DNA position 3049, G replaced by C.
Protein change: p.Val1017Leu; replaces valine 1017 with leucine.
Molecular consequence: missense variant.
Genome position (GRCh38, 1-based): chr18:58,537,138, C>G on the plus strand (G>C on the coding strand, the complement: ALPK2 is on the minus strand). VCF-style: chr18-58537138-C-G. GRCh37 (hg19) VCF-style: chr18-56204370-C-G.
Other names: short protein forms V1017L.
Identifiers: ClinVar variation 2626584 (VCV002626584.2), dbSNP rs1049703630, ClinGen allele CA300927307.